The following is an entry in ClinVar:

NM_001298.3(CNGA3):c.668G>A (p.Arg223Gln)

Gene: CNGA3 (cyclic nucleotide gated channel subunit alpha 3; plus strand). Cytogenetic location: 2q11.2.
Variant type: single nucleotide variant.
Coding change: c.668G>A on transcript NM_001298.3 (MANE Select); coding-DNA position 668, G replaced by A.
Protein change: p.Arg223Gln; replaces arginine 223 with glutamine.
Molecular consequence: missense variant.
Genome position (GRCh38, 1-based): chr2:98,391,965, G>A. VCF-style: chr2-98391965-G-A. GRCh37 (hg19) VCF-style: chr2-99008428-G-A.
Other names: c.614G>A, p.Arg205Gln (NM_001079878.2); short protein forms R205Q, R223Q.
Identifiers: ClinVar variation 865874 (VCV000865874.52), dbSNP rs762668060, ClinGen allele CA1793842.

ClinVar aggregate classification (germline): Pathogenic/Likely pathogenic. Review status: criteria provided, multiple submitters, no conflicts (2 of 4 stars). 5 submissions from 5 submitters: Pathogenic (4); Likely pathogenic (1). Last evaluated 2026-03-12.

Conditions:
CNGA3-related disorder. Also called: CNGA3-related condition.
CNGA3-related disorders.

Allele frequency attached by ClinVar (database versions not stated): gnomAD 0.00002; TOPMed 0.00002; ExAC 0.00004; gnomAD exomes 0.00004.
gnomAD v4.1: 59 of 1,613,512 alleles (0.0037%); highest among the groups gnomAD compares: East Asian, 0.0089%; no homozygotes.

Submissions (5):

PreventionGenetics, part of Exact Sciences
Classification: Pathogenic for CNGA3-related condition. Last evaluated: 2026-03-12. Review status: criteria provided, single submitter. Criteria: ACMG Guidelines, 2015. Collection method: clinical testing. Allele origin: germline.
Comment: The CNGA3 c.668G>A variant is predicted to result in the amino acid substitution p.Arg223Gln. This variant has been reported, along with a second potentially causative variant, in individuals with autosomal recessive achromatopsia or cone-rod dystrophy (see for example: Greenberg et al. 2014. PubMed ID: 24504161; Huang et al. 2016. PubMed ID: 26992781; Table S2, Weisschuh et al. 2020. PubMed ID: 32531858). Alternate substitutions of this amino acid residue (p.Arg223Gly and p.Arg223Trp) have also been reported in individuals with achromatopsia (Table S2, Sharon et al. 2019. PubMed ID: 31456290; Wissinger et al. 2001. PubMed ID: 11536077). This variant is reported in 0.017% of alleles in individuals of Latino descent in gnomAD. This variant is interpreted as pathogenic.

Labcorp Genetics (formerly Invitae), Labcorp
Classification: Pathogenic. Last evaluated: 2026-01-15. Review status: criteria provided, single submitter. Criteria: Invitae Variant Classification Sherloc (09022015). Collection method: clinical testing. Allele origin: germline.
Comment: This sequence change replaces arginine, which is basic and polar, with glutamine, which is neutral and polar, at codon 223 of the CNGA3 protein (p.Arg223Gln). This variant is present in population databases (rs762668060, gnomAD 0.02%). This missense change has been observed in individuals with achromatopsia, cone-rod dystrophy, or Bull's eye maculopathy (PMID: 24504161, 24903488, 25283059, 26992781). It has also been observed to segregate with disease in related individuals. ClinVar contains an entry for this variant (Variation ID: 865874). Invitae Evidence Modeling of protein sequence and biophysical properties (such as structural, functional, and spatial information, amino acid conservation, physicochemical variation, residue mobility, and thermodynamic stability) indicates that this missense variant is expected to disrupt CNGA3 protein function with a positive predictive value of 95%. This variant disrupts the p.Arg223 amino acid residue in CNGA3. Other variant(s) that disrupt this residue have been determined to be pathogenic (PMID: 11536077, 24504161, 24903488, 26992781). This suggests that this residue is clinically significant, and that variants that disrupt this residue are likely to be disease-causing. For these reasons, this variant has been classified as Pathogenic.

Blueprint Genetics
Classification: Pathogenic for CNGA3-related disorders. Last evaluated: 2024-01-03. Review status: criteria provided, single submitter. Criteria: ACMG Guidelines, 2015. Collection method: clinical testing. Allele origin: germline. Affected: yes. Observed: 5 variant alleles.

GeneDx
Classification: Likely pathogenic. Last evaluated: 2022-10-18. Review status: criteria provided, single submitter. Criteria: GeneDx Variant Classification Process June 2021. Collection method: clinical testing. Allele origin: germline. Affected: yes.
Comment: In silico analysis supports that this missense variant has a deleterious effect on protein structure/function; This variant is associated with the following publications: (PMID: 24504161, 24903488, 25283059, 26992781, 31980526, 32531858)

CeGaT Center for Human Genetics Tuebingen
Classification: Pathogenic. Last evaluated: 2016-12-01. Review status: criteria provided, single submitter. Criteria: CeGaT Center For Human Genetics Tuebingen Variant Classification Criteria Version 2. Collection method: clinical testing. Allele origin: germline. Affected: yes. Observed: 1 variant allele.

Literature cited by the submitters: PubMed 24504161 (cited by Labcorp Genetics (formerly Invitae), Labcorp); PubMed 24903488 (cited by Labcorp Genetics (formerly Invitae), Labcorp); PubMed 25283059 (cited by Labcorp Genetics (formerly Invitae), Labcorp); PubMed 26992781 (cited by Labcorp Genetics (formerly Invitae), Labcorp); PubMed 11536077 (cited by Labcorp Genetics (formerly Invitae), Labcorp).